The following is an entry in ClinVar:

ClinVar aggregate classification (germline): Benign. Review status: reviewed by expert panel (3 of 4 stars). 23 submissions from 23 submitters: Benign (1). 22 of the submissions do not count toward it. Last evaluated 2015-01-12.

Conditions:
Hereditary cancer-predisposing syndrome. Also called: Tumor predisposition; Neoplastic Syndromes, Hereditary; Hereditary neoplastic syndrome; Hereditary Cancer Syndrome. Identifiers: Orphanet 140162, MedGen C0027672, MeSH D009386, MONDO:0015356.
Breast and/or ovarian cancer. Identifiers: MedGen CN221562.
Hereditary breast ovarian cancer syndrome. Also called: Hereditary breast and ovarian cancer; BRCA1- and BRCA2-Associated Hereditary Breast and Ovarian Cancer; Hereditary breast and/or ovarian cancer syndrome; Hereditary breast and ovarian cancer syndrome; Breast and ovarian cancer; Hereditary breast and ovarian cancer syndrome (HBOC). Identifiers: Orphanet 145, MedGen C0677776, MeSH D061325, MONDO:0003582. Disease mechanism: loss of function.
Breast-ovarian cancer, familial, susceptibility to, 2 (BROVCA2). Also called: BRCA2 Hereditary Breast and Ovarian Cancer. Identifiers: Orphanet 145, MedGen C2675520, MONDO:0012933, OMIM 612555. Disease mechanism: loss of function.
Familial cancer of breast. Also called: BREAST CANCER, FAMILIAL; hereditary breast carcinoma; Hereditary breast cancer. Identifiers: Orphanet 227535, MedGen C0346153, MONDO:0016419, OMIM 114480. Disease mechanism: loss of function.

Allele frequency attached by ClinVar (database versions not stated): gnomAD 0.00047 and 0.00063; TOPMed 0.00087; gnomAD exomes 0.00133; ExAC 0.00135; 1000 Genomes Project 30x 0.00312; 1000 Genomes Project 0.00379.

Submissions (23):

Evidence-based Network for the Interpretation of Germline Mutant Alleles (ENIGMA)
Classification: Benign for Breast-ovarian cancer, familial 2. Last evaluated: 2015-01-12. Review status: reviewed by expert panel. Criteria: ENIGMA BRCA1/2 Classification Criteria (2015). Collection method: curation. Allele origin: germline.
Comment: Class 1 not pathogenic based on frequency >1% in an outbred sampleset. Frequency 0.01748 (Asian), derived from 1000 genomes (2012-04-30).

Labcorp Genetics (formerly Invitae), Labcorp
Classification: Benign for Hereditary breast ovarian cancer syndrome. Last evaluated: 2026-02-03. Review status: criteria provided, single submitter. Criteria: Invitae Variant Classification Sherloc (09022015). Collection method: clinical testing. Allele origin: germline. Not counted in ClinVar's aggregate classification.

ARUP Laboratories, Molecular Genetics and Genomics, ARUP Laboratories
Classification: Benign. Last evaluated: 2025-04-16. Review status: criteria provided, single submitter. Criteria: ARUP Molecular Germline Variant Investigation Process 2024. Collection method: clinical testing. Allele origin: germline. Not counted in ClinVar's aggregate classification.

Center for Genomic Medicine, Rigshospitalet, Copenhagen University Hospital
Classification: Benign. Last evaluated: 2025-03-04. Review status: criteria provided, single submitter. Criteria: ACMG Guidelines, 2015. Collection method: clinical testing. Allele origin: germline. Not counted in ClinVar's aggregate classification.

Mayo Clinic Laboratories, Mayo Clinic
Classification: Benign. Last evaluated: 2025-02-03. Review status: criteria provided, single submitter. Criteria: ACMG Guidelines, 2015. Collection method: clinical testing. Allele origin: germline. Observed: 5 variant alleles. Not counted in ClinVar's aggregate classification.
Comment: BA1, BP4, BP6, BP7

KCCC/NGS Laboratory, Kuwait Cancer Control Center
Classification: Benign for Familial cancer of breast. Last evaluated: 2025-02-01. Review status: criteria provided, single submitter. Criteria: ACMG Guidelines, 2015. Collection method: clinical testing. Allele origin: germline. Affected: no. Not counted in ClinVar's aggregate classification.

Blueprint Genetics
Classification: Likely benign. Last evaluated: 2024-11-08. Review status: criteria provided, single submitter. Criteria: ACMG Guidelines, 2015. Collection method: clinical testing. Allele origin: germline. Not counted in ClinVar's aggregate classification.

CHEO Genetics Diagnostic Laboratory, Children's Hospital of Eastern Ontario
Classification: Benign for Breast and/or ovarian cancer. Last evaluated: 2022-04-29. Review status: criteria provided, single submitter. Criteria: ACMG Guidelines, 2015. Collection method: clinical testing. Allele origin: germline. Not counted in ClinVar's aggregate classification.

GeneKor MSA
Classification: Benign. Last evaluated: 2017-11-01. Review status: criteria provided, single submitter. Criteria: ACMG Guidelines, 2015. Collection method: clinical testing. Allele origin: germline. Affected: yes. Not counted in ClinVar's aggregate classification.

PreventionGenetics, part of Exact Sciences
Classification: Benign. Last evaluated: 2017-10-20. Review status: criteria provided, single submitter. Criteria: ACMG Guidelines, 2015. Collection method: clinical testing. Allele origin: germline. Not counted in ClinVar's aggregate classification.

Genome Diagnostics Laboratory, University Medical Center Utrecht
Classification: Likely benign for Breast-ovarian cancer, familial, susceptibility to, 2. Last evaluated: 2017-07-28. Review status: criteria provided, single submitter. Criteria: ACGS Guidelines, 2013. Collection method: clinical testing. Allele origin: germline. Affected: yes. Study: VKGL Data-share Consensus. Not counted in ClinVar's aggregate classification.

Baylor Genetics
Classification: Benign for Familial cancer of breast. Last evaluated: 2017-02-23. Review status: criteria provided, single submitter. Criteria: ACMG Guidelines, 2015. Collection method: clinical testing. Allele origin: germline. Inheritance: Autosomal dominant inheritance. Affected: no. Not counted in ClinVar's aggregate classification.

Molecular Genetics Laboratory, University of Michigan
Classification: Benign for Breast-ovarian cancer, familial, susceptibility to, 2. Last evaluated: 2016-04-21. Review status: criteria provided, single submitter. Criteria: ACMG Guidelines, 2015. Collection method: clinical testing. Allele origin: germline. Affected: yes. Not counted in ClinVar's aggregate classification.

Clinical Genetics DNA and cytogenetics Diagnostics Lab, Erasmus MC, Erasmus Medical Center
Classification: Benign for Breast-ovarian cancer, familial, susceptibility to, 2. Last evaluated: 2015-09-21. Review status: criteria provided, single submitter. Criteria: ACGS Guidelines, 2013. Collection method: clinical testing. Allele origin: germline. Affected: yes. Study: VKGL Data-share Consensus. Not counted in ClinVar's aggregate classification.

Color Diagnostics, LLC DBA Color Health
Classification: Benign for Hereditary cancer-predisposing syndrome. Last evaluated: 2015-04-13. Review status: criteria provided, single submitter. Criteria: ACMG Guidelines, 2015. Collection method: clinical testing. Allele origin: germline. Not counted in ClinVar's aggregate classification.

Ambry Genetics
Classification: Benign for Hereditary cancer-predisposing syndrome. Last evaluated: 2014-11-19. Review status: criteria provided, single submitter. Criteria: Ambry Variant Classification Scheme 2023. Collection method: clinical testing. Allele origin: germline. Not counted in ClinVar's aggregate classification.

GeneDx
Classification: Benign. Last evaluated: 2013-10-29. Review status: criteria provided, single submitter. Criteria: GeneDx Variant Classification (06012015). Collection method: clinical testing. Allele origin: germline. Affected: yes. Not counted in ClinVar's aggregate classification.
Comment: This variant is considered likely benign or benign based on one or more of the following criteria: it is a conservative change, it occurs at a poorly conserved position in the protein, it is predicted to be benign by multiple in silico algorithms, and/or has population frequency not consistent with disease.

Department of Pathology and Laboratory Medicine, Sinai Health System
Classification: Benign. Review status: criteria provided, single submitter. Criteria: ACMG Guidelines, 2015. Collection method: clinical testing. Allele origin: germline. Affected: yes. Study: The Canadian Open Genetics Repository (COGR). Not counted in ClinVar's aggregate classification.

Counsyl
Classification: Benign for Breast-ovarian cancer, familial 2. Last evaluated: 2014-01-02. Review status: no assertion criteria provided. Collection method: literature only. Allele origin: unknown. Inheritance: Autosomal dominant inheritance. Not counted in ClinVar's aggregate classification.

Breast Cancer Information Core (BIC) (BRCA2)
Classification: Benign for Breast-ovarian cancer, familial 2. Last evaluated: 1999-04-12. Review status: no assertion criteria provided. Collection method: clinical testing. Allele origin: germline. Affected: yes. Observed: 4 variant alleles. Not counted in ClinVar's aggregate classification.

Clinical Genetics Laboratory, Department of Pathology, Netherlands Cancer Institute
Classification: Benign. Review status: no assertion criteria provided. Collection method: clinical testing. Allele origin: germline. Affected: yes. Study: VKGL Data-share Consensus. Not counted in ClinVar's aggregate classification.

Joint Genome Diagnostic Labs from Nijmegen and Maastricht, Radboudumc and MUMC+
Classification: Likely benign. Review status: no assertion criteria provided. Collection method: clinical testing. Allele origin: germline. Affected: yes. Study: VKGL Data-share Consensus. Not counted in ClinVar's aggregate classification.

Laboratory of Diagnostic Genome Analysis, Leiden University Medical Center (LUMC)
Classification: Benign. Review status: no assertion criteria provided. Collection method: clinical testing. Allele origin: germline. Affected: yes. Study: VKGL Data-share Consensus. Not counted in ClinVar's aggregate classification.

Literature cited by the submitters: PubMed 12442274 (cited by Counsyl); PubMed 14647438 (cited by Counsyl).

NM_000059.4(BRCA2):c.9649-19G>A

Gene: BRCA2 (BRCA2 DNA repair associated; plus strand). Cytogenetic location: 13q13.1.
Variant type: single nucleotide variant.
Coding change: c.9649-19G>A on transcript NM_000059.4 (MANE Select); 19 bases into the intron before coding-DNA position 9649, G replaced by A.
Molecular consequence: intron variant.
Genome position (GRCh38, 1-based): chr13:32,398,143, G>A. VCF-style: chr13-32398143-G-A. GRCh37 (hg19) VCF-style: chr13-32972280-G-A.
Other names: IVS26-19G/A; IVS 26-19G>A; p.?.
Identifiers: ClinVar variation 52883 (VCV000052883.40), dbSNP rs11571830, ClinGen allele CA026251.